The following is an entry in ClinVar:

ClinVar aggregate classification (germline): Likely benign (1 of 4 stars; one submission).

Submission:

CeGaT Center for Human Genetics Tuebingen
Classification: Likely benign. Last evaluated: 2026-06-01. Review status: criteria provided, single submitter. Criteria: CeGaT Center For Human Genetics Tuebingen Variant Classification Criteria Version 2. Collection method: clinical testing. Allele origin: germline. Affected: yes. Observed: 1 variant allele.
Comment: PLAAT3: BP4, BP7

NM_001128203.2(PLAAT3):c.258G>A (p.Pro86=)

Gene: PLAAT3 (phospholipase A and acyltransferase 3; minus strand). Cytogenetic location: 11q12.3.
Variant type: single nucleotide variant.
Coding change: c.258G>A on transcript NM_001128203.2 (MANE Select); coding-DNA position 258, G replaced by A.
Protein change: p.Pro86=; no amino-acid change (proline 86 retained).
Molecular consequence: synonymous variant.
Genome position (GRCh38, 1-based): chr11:63,590,229, C>T on the plus strand (G>A on the coding strand, the complement: PLAAT3 is on the minus strand). VCF-style: chr11-63590229-C-T. GRCh37 (hg19) VCF-style: chr11-63357701-C-T.
Other names: c.258G>A, p.Pro86= (NM_007069.3).
Identifiers: ClinVar variation 4871987 (VCV004871987.2).